The following is an entry in ClinVar:

NM_000179.3(MSH6):c.3076G>T (p.Asp1026Tyr)

Gene: MSH6 (mutS homolog 6; plus strand). Cytogenetic location: 2p16.3.
Variant type: single nucleotide variant.
Coding change: c.3076G>T on transcript NM_000179.3 (MANE Select); coding-DNA position 3076, G replaced by T.
Protein change: p.Asp1026Tyr; replaces aspartic acid 1026 with tyrosine.
Molecular consequence: missense variant.
Genome position (GRCh38, 1-based): chr2:47,801,059, G>T. VCF-style: chr2-47801059-G-T. GRCh37 (hg19) VCF-style: chr2-48028198-G-T.
Other names: p.D1026Y:GAT>TAT; c.2686G>T, p.Asp896Tyr (NM_001281492.2); c.2170G>T, p.Asp724Tyr (NM_001281493.2, NM_001281494.2); short protein forms D1026Y, D896Y, D724Y.
Identifiers: ClinVar variation 89337 (VCV000089337.16), dbSNP rs267608054, ClinGen allele CA011499.

ClinVar aggregate classification (germline): Conflicting classifications of pathogenicity. Review status: criteria provided, conflicting classifications (1 of 4 stars). 5 submissions from 5 submitters: Pathogenic (1); Likely pathogenic (2); Uncertain significance (2). Last evaluated 2025-12-29.

Conditions:
Lynch syndrome 5 (LYNCH5). Also called: Colorectal cancer, hereditary nonpolyposis, type 5; Hereditary non-polyposis colorectal cancer, type 5. Identifiers: Orphanet 144, MedGen C1833477, MONDO:0013710, OMIM 614350. Disease mechanism: loss of function.
Hereditary nonpolyposis colorectal neoplasms. Identifiers: MedGen C0009405, MeSH D003123.
Hereditary cancer-predisposing syndrome. Also called: Tumor predisposition; Hereditary Cancer Syndrome; Hereditary neoplastic syndrome; Neoplastic Syndromes, Hereditary. Identifiers: Orphanet 140162, MedGen C0027672, MeSH D009386, MONDO:0015356.

Submissions (5):

Center for Genomic Medicine, Rigshospitalet, Copenhagen University Hospital
Classification: Pathogenic. Last evaluated: 2025-12-29. Review status: criteria provided, single submitter. Criteria: ACMG Guidelines, 2015. Collection method: clinical testing. Allele origin: germline.
Comment: Classification criteria: PVS1, PM2_supp, PP4

Myriad Genetics, Inc.
Classification: Likely pathogenic for Lynch syndrome 5. Last evaluated: 2025-11-06. Review status: criteria provided, single submitter. Criteria: Myriad Autosomal Dominant, Autosomal Recessive and X-Linked Classification Criteria (2023). Collection method: clinical testing. Allele origin: unknown.
Comment: This variant is considered likely pathogenic. mRNA analysis has demonstrated abnormal mRNA splicing occurs [Myriad internal data].

Labcorp Genetics (formerly Invitae), Labcorp
Classification: Uncertain significance for Hereditary nonpolyposis colorectal neoplasms. Last evaluated: 2025-06-11. Review status: criteria provided, single submitter. Criteria: Invitae Variant Classification Sherloc (09022015). Collection method: clinical testing. Allele origin: germline.
Comment: This sequence change replaces aspartic acid, which is acidic and polar, with tyrosine, which is neutral and polar, at codon 1026 of the MSH6 protein (p.Asp1026Tyr). This variant is not present in population databases (gnomAD no frequency). This missense change has been observed in individual(s) with clinical features of Lynch syndrome (PMID: 18566915). ClinVar contains an entry for this variant (Variation ID: 89337). An algorithm developed specifically for the MSH6 gene suggests that this missense change is likely to be deleterious (PMID: 23621914). Experimental studies have shown that this missense change does not substantially affect MSH6 function (PMID: 22102614). Algorithms developed to predict the effect of sequence changes on RNA splicing suggest that this variant may disrupt the consensus splice site. In summary, the available evidence is currently insufficient to determine the role of this variant in disease. Therefore, it has been classified as a Variant of Uncertain Significance.

Ambry Genetics
Classification: Likely pathogenic for Hereditary cancer-predisposing syndrome. Last evaluated: 2025-04-14. Review status: criteria provided, single submitter. Criteria: Ambry Variant Classification Scheme 2023. Collection method: clinical testing. Allele origin: germline.
Comment: The p.D1026Y variant (also known as c.3076G>T), located in coding exon 4 of the MSH6 gene, results from a G to T substitution at nucleotide position 3076. The aspartic acid at codon 1026 is replaced by tyrosine, an amino acid with highly dissimilar properties. This variant has been identified in a proband whose Lynch syndrome-associated tumor demonstrated loss of MSH6 expression by immunohistochemistry (Li S et al. J. Med. Genet. 2020 Jan;57:62-69; External communication). This nucleotide position is well conserved in available vertebrate species. In silico splice site analysis predicts that this alteration will result in the creation or strengthening of a novel splice donor site. RNA studies have demonstrated that this alteration results in abnormal splicing in the set of samples tested (Ambry internal data). Based on the majority of available evidence to date, this variant is likely to be pathogenic.

GeneDx
Classification: Uncertain significance. Last evaluated: 2014-09-22. Review status: criteria provided, single submitter. Criteria: GeneDx Variant Classification (06012015). Collection method: clinical testing. Allele origin: germline. Affected: yes.
Comment: This variant is denoted MSH6 c.3076G>T at the cDNA level, p.Asp1026Tyr (D1026Y) at the protein level, and results in the change of an Aspartic Acid to a Tyrosine (GAT>TAT). Since Aspartic Acid and Tyrosine differ in polarity, charge, size or other properties, this is considered a non-conservative amino acid substitution. MSH6 Asp1026Tyr occurs at a position that is highly conserved across species and is located within Domain III of the MutS domain (Terui 2013). MSH6 Asp1026Tyr was not observed in approximately 6,500 individuals of European and African American ancestry in the NHLBI Exome Sequencing Project, indicating it is not a common benign variant in these populations. This variant has been observed in at least one individual with colon cancer (Nilbert 2009). In silico algorithms predict that this variant forms a novel cryptic splice donor site upstream of, and possibly stronger than, the natural splice donor site, and other in silico models predict that this variant is probably damaging to protein structure and function. However, an in vitro functional study displayed mismatch repair efficiency similar to wildtype (Drost 2012). The International Society for Gastrointestinal Hereditary Tumours Incorporated (InSiGHT) classifies this variant as uncertain due to insufficient evidence for classification (Thompson 2014). Based on currently available information, it is unclear whether MSH6 Asp1026Tyr is pathogenic or benign. We consider it to be a variant of uncertain significance.

Literature cited by the submitters: PubMed 18565915 (cited by Center for Genomic Medicine, Rigshospitalet, Copenhagen University Hospital); PubMed 22102614 (cited by 3 submitters); PubMed 18566915 (cited by Labcorp Genetics (formerly Invitae), Labcorp); PubMed 23621914 (cited by Labcorp Genetics (formerly Invitae), Labcorp).